The following is an entry in ClinVar:

ClinVar aggregate classification (germline): Benign (1 of 4 stars; one submission).

Allele frequency attached by ClinVar (database versions not stated): gnomAD 0.08390 and 0.09295; TOPMed 0.11062; 1000 Genomes Project 30x 0.20597; 1000 Genomes Project 0.21685.

Submission:

GeneDx
Classification: Benign. Last evaluated: 2018-06-19. Review status: criteria provided, single submitter. Criteria: GeneDx Variant Classification (06012015). Collection method: clinical testing. Allele origin: germline. Affected: yes.
Comment: This variant is considered likely benign or benign based on one or more of the following criteria: it is a conservative change, it occurs at a poorly conserved position in the protein, it is predicted to be benign by multiple in silico algorithms, and/or has population frequency not consistent with disease.

NM_000182.5(HADHA):c.315-284C>T

Gene: HADHA (hydroxyacyl-CoA dehydrogenase trifunctional multienzyme complex subunit alpha; minus strand). Cytogenetic location: 2p23.3.
Variant type: single nucleotide variant.
Coding change: c.315-284C>T on transcript NM_000182.5 (MANE Select); 284 bases into the intron before coding-DNA position 315, C replaced by T.
Molecular consequence: intron variant.
Genome position (GRCh38, 1-based): chr2:26,234,639, G>A on the plus strand (C>T on the coding strand, the complement: HADHA is on the minus strand). VCF-style: chr2-26234639-G-A. GRCh37 (hg19) VCF-style: chr2-26457507-G-A.
Identifiers: ClinVar variation 680658 (VCV000680658.1), dbSNP rs2002474, ClinGen allele CA44353954.